The following is an entry in ClinVar:

ClinVar aggregate classification (germline): Benign (0 of 4 stars; one submission).

Conditions:
CEP170B-related disorder. Also called: CEP170B-related condition.

Allele frequency attached by ClinVar (database versions not stated): 1000 Genomes Project 0.49261; 1000 Genomes Project 30x 0.49453; TOPMed 0.60830; gnomAD 0.62396; ESP Exome Variant Server 0.66750; ExAC 0.72265; gnomAD exomes 0.74592.
gnomAD v4.1: 1,142,125 of 1,557,768 alleles (73%); highest among the groups gnomAD compares: Middle Eastern, 81%; 433,067 homozygotes.

Submission:

PreventionGenetics, part of Exact Sciences
Classification: Benign for CEP170B-related condition. Last evaluated: 2019-10-17. Review status: no assertion criteria provided. Collection method: clinical testing. Allele origin: germline.
Comment: This variant is classified as benign based on ACMG/AMP sequence variant interpretation guidelines (Richards et al. 2015 PMID: 25741868, with internal and published modifications).

NM_001112726.3(CEP170B):c.3879-7G>C

Gene: CEP170B (centrosomal protein 170B; plus strand). Cytogenetic location: 14q32.33.
Variant type: single nucleotide variant.
Coding change: c.3879-7G>C on transcript NM_001112726.3 (MANE Select); 7 bases into the intron before coding-DNA position 3879, G replaced by C.
Molecular consequence: intron variant.
Genome position (GRCh38, 1-based): chr14:104,892,969, G>C. VCF-style: chr14-104892969-G-C. GRCh37 (hg19) VCF-style: chr14-105359306-G-C.
Other names: c.3774-7G>C (NM_015005.3).
Identifiers: ClinVar variation 3059511 (VCV003059511.2), dbSNP rs3742939, ClinGen allele CA7376307.
Genomic context (GRCh38, chr14:104,892,969, plus strand): 5'-GCCTGTCTGGCCCCTGCTGCCCCGACTTCCTCTGTGCAGAACCTGCCGTCTTTCCTGCCG[G>C]CTGCAGGCTGAGCCAGACGCTGGTGAAGGACGTGGCCATCCTAGCCCAGGAGATCCACGA-3'